The following is an entry in ClinVar:

ClinVar aggregate classification (germline): Conflicting classifications of pathogenicity. Review status: criteria provided, conflicting classifications (1 of 4 stars). 2 submissions from 2 submitters: Uncertain significance (1); Benign (1). Last evaluated 2022-08-01.

Conditions:
Orofacial cleft 11 (OFC11). Also called: CLEFT LIP WITH OR WITHOUT CLEFT PALATE, NONSYNDROMIC, 11; Orofacial cleft 11; ofc11. Identifiers: MedGen C2677434, MONDO:0010906, OMIM 600625.

Allele frequency attached by ClinVar (database versions not stated): gnomAD exomes 0.00100.
gnomAD v4.1: 547 of 644,256 alleles (0.085%); highest among the groups gnomAD compares: South Asian, 0.94%; no homozygotes.

Submissions (2):

CeGaT Center for Human Genetics Tuebingen
Classification: Benign. Last evaluated: 2022-08-01. Review status: criteria provided, single submitter. Criteria: CeGaT Center For Human Genetics Tuebingen Variant Classification Criteria Version 2. Collection method: clinical testing. Allele origin: germline. Affected: yes. Observed: 2 variant alleles.
Comment: BMP4: BS1, BS2

Illumina Laboratory Services, Illumina
Classification: Uncertain significance for Orofacial cleft 11. Last evaluated: 2018-01-13. Review status: criteria provided, single submitter. Criteria: ICSL Variant Classification Criteria 13 December 2019. Collection method: clinical testing. Allele origin: germline.

NM_001202.6(BMP4):c.*149G>A

Gene: BMP4 (bone morphogenetic protein 4; minus strand). Cytogenetic location: 14q22.2.
Variant type: single nucleotide variant.
Coding change: c.*149G>A on transcript NM_001202.6 (MANE Select); 149 bases downstream of the stop codon, G replaced by A.
Molecular consequence: 3 prime UTR variant.
Genome position (GRCh38, 1-based): chr14:53,949,883, C>T on the plus strand (G>A on the coding strand, the complement: BMP4 is on the minus strand). VCF-style: chr14-53949883-C-T. GRCh37 (hg19) VCF-style: chr14-54416601-C-T.
Other names: c.*149G>A (NM_001347912.1, NM_001347913.2, NM_001347914.2 and 5 more transcripts).
Identifiers: ClinVar variation 313345 (VCV000313345.30), dbSNP rs74495140, ClinGen allele CA10644260.